The following is an entry in ClinVar:

ClinVar aggregate classification (germline): Uncertain significance (1 of 4 stars; one submission).

Conditions:
Nephronophthisis. Also called: Juvenile Nephronophthisis. Identifiers: Orphanet 655, MedGen C0687120, MONDO:0019005, HP:0000090.

Allele frequency attached by ClinVar (database versions not stated): gnomAD exomes below 0.00001.
gnomAD v4.1: 1 of 1,518,568 alleles (0.000066%); highest among the groups gnomAD compares: Non-Finnish European, 0.000092%; no homozygotes.

Submission:

Labcorp Genetics (formerly Invitae), Labcorp
Classification: Uncertain significance for Nephronophthisis. Last evaluated: 2022-07-25. Review status: criteria provided, single submitter. Criteria: Invitae Variant Classification Sherloc (09022015). Collection method: clinical testing. Allele origin: germline.
Comment: This sequence change replaces asparagine, which is neutral and polar, with serine, which is neutral and polar, at codon 479 of the NPHP1 protein (p.Asn479Ser). This variant is not present in population databases (gnomAD no frequency). This variant has not been reported in the literature in individuals affected with NPHP1-related conditions. Algorithms developed to predict the effect of missense changes on protein structure and function are either unavailable or do not agree on the potential impact of this missense change (SIFT: "Tolerated"; PolyPhen-2: "Probably Damaging"; Align-GVGD: "Class C0"). Algorithms developed to predict the effect of sequence changes on RNA splicing suggest that this variant may disrupt the consensus splice site. In summary, the available evidence is currently insufficient to determine the role of this variant in disease. Therefore, it has been classified as a Variant of Uncertain Significance.

NM_001128178.3(NPHP1):c.1268A>G (p.Asn423Ser)

Gene: NPHP1 (nephrocystin 1; minus strand). Cytogenetic location: 2q13.
Variant type: single nucleotide variant.
Coding change: c.1268A>G on transcript NM_001128178.3 (MANE Select); coding-DNA position 1268, A replaced by G.
Protein change: p.Asn423Ser; replaces asparagine 423 with serine.
Molecular consequence: missense variant.
Genome position (GRCh38, 1-based): chr2:110,147,917, T>C on the plus strand (A>G on the coding strand, the complement: NPHP1 is on the minus strand). VCF-style: chr2-110147917-T-C. GRCh37 (hg19) VCF-style: chr2-110905494-T-C.
Other names: c.1436A>G, p.Asn479Ser (NM_000272.5); c.1079A>G, p.Asn360Ser (NM_001128179.3); c.1265A>G, p.Asn422Ser (NM_001374256.1); c.1268A>G, p.Asn423Ser (NM_001374257.1); c.1433A>G, p.Asn478Ser (NM_207181.4); short protein forms N422S, N423S, N479S, N360S, N478S.
Identifiers: ClinVar variation 2088865 (VCV002088865.1), dbSNP rs2467259144, ClinGen allele CA348087789.